The following is an entry in ClinVar:

NM_001846.4(COL4A2):c.3170dup (p.Gly1058fs)

Gene: COL4A2 (collagen type IV alpha 2 chain; plus strand). Cytogenetic location: 13q34.
Variant type: Duplication.
Coding change: c.3170dup on transcript NM_001846.4 (MANE Select); coding-DNA position 3170, one base duplicated (C; older notation c.3170dupC).
Protein change: p.Gly1058fs; shifts the reading frame from glycine 1058.
Molecular consequence: frameshift variant.
Genome position (GRCh38, 1-based): chr13:110,485,799, C duplicated; the last of 6 consecutive C bases (chr13:110,485,794-110,485,799); duplicating any one gives the same sequence. VCF-style (leftmost placement, unchanged base first): chr13-110485793-G-GC. GRCh37 (hg19) VCF-style: chr13-111138140-G-GC.
Other names: short protein forms G1058fs.
Identifiers: ClinVar variation 444320 (VCV000444320.44), dbSNP rs969435078, ClinGen allele CA256283183.
Genomic context (GRCh38, chr13:110,485,793, plus strand): 5'-TCAAGGGAGACATCGGAGTCCCCGGCATCCCCGGTTTGCCAGGATTCCCTGGGGTGGCTG[G>GC]CCCCCCTGGAATTACGGGATTCCCAGGATTCATAGGAAGCCGGGTGAGTGGGCGTCTTTT-3'

ClinVar aggregate classification (germline): Conflicting classifications of pathogenicity. Review status: criteria provided, conflicting classifications (1 of 4 stars). 2 submissions from 2 submitters: Pathogenic (1); Uncertain significance (1). Last evaluated 2026-03-01.

Conditions:
Brain small vessel disease 2A, autosomal dominant. Also called: Porencephaly 2. Identifiers: Orphanet 2940, Orphanet 99810, MedGen C3280970, MONDO:0013773, OMIM 614483.

Submissions (2):

CeGaT Center for Human Genetics Tuebingen
Classification: Pathogenic. Last evaluated: 2026-03-01. Review status: criteria provided, single submitter. Criteria: CeGaT Center For Human Genetics Tuebingen Variant Classification Criteria Version 2. Collection method: clinical testing. Allele origin: germline. Affected: yes. Observed: 1 variant allele.
Comment: COL4A2: PVS1, PM2

Department of Pathology and Laboratory Medicine, Sinai Health System
Classification: Uncertain significance for Brain small vessel disease 2A, autosomal dominant. Last evaluated: 2022-12-05. Review status: criteria provided, single submitter. Criteria: ACMG Guidelines, 2015. Collection method: research. Allele origin: germline.